The following is an entry in ClinVar:

NM_002693.3(POLG):c.3062C>T (p.Ser1021Phe)

Gene: POLG (DNA polymerase gamma, catalytic subunit; minus strand). Cytogenetic location: 15q26.1.
Variant type: single nucleotide variant.
Coding change: c.3062C>T on transcript NM_002693.3 (MANE Select); coding-DNA position 3062, C replaced by T.
Protein change: p.Ser1021Phe; replaces serine 1021 with phenylalanine.
Molecular consequence: missense variant.
Genome position (GRCh38, 1-based): chr15:89,319,270, G>A on the plus strand (C>T on the coding strand, the complement: POLG is on the minus strand). VCF-style: chr15-89319270-G-A. GRCh37 (hg19) VCF-style: chr15-89862501-G-A.
Other names: c.3062C>T, p.Ser1021Phe (NM_001126131.2); short protein forms S1021F.
Identifiers: ClinVar variation 933862 (VCV000933862.9), dbSNP rs2055358674, ClinGen allele CA393751331.

ClinVar aggregate classification (germline): Uncertain significance. Review status: criteria provided, multiple submitters, no conflicts (2 of 4 stars). 3 submissions from 3 submitters: Uncertain significance (3). Last evaluated 2026-02-13.

Conditions:
Inborn genetic diseases. Identifiers: MedGen C0950123, MeSH D030342.
Progressive sclerosing poliodystrophy (MTDPS4A). Also called: NEURONAL DEGENERATION OF CHILDHOOD WITH LIVER DISEASE, PROGRESSIVE; ALPERS PROGRESSIVE INFANTILE POLIODYSTROPHY; Mitochondrial DNA Depletion Syndrome 4A; Alpers-Huttenlocher Syndrome (AHS); Alpers Syndrome; ALPERS DIFFUSE DEGENERATION OF CEREBRAL GRAY MATTER WITH HEPATIC CIRRHOSIS. Identifiers: Orphanet 726, MedGen C0205710, MONDO:0008758, OMIM 203700.

Allele frequency attached by ClinVar (database versions not stated): gnomAD exomes below 0.00001; TOPMed below 0.00001.
gnomAD v4.1: 1 of 1,614,178 alleles (0.000062%); highest among the groups gnomAD compares: Non-Finnish European, 0.000085%; no homozygotes.

Submissions (3):

Ambry Genetics
Classification: Uncertain significance for Inborn genetic diseases. Last evaluated: 2026-02-13. Review status: criteria provided, single submitter. Criteria: Ambry Variant Classification Scheme 2023. Collection method: clinical testing. Allele origin: germline.

Labcorp Genetics (formerly Invitae), Labcorp
Classification: Uncertain significance for Progressive sclerosing poliodystrophy. Last evaluated: 2025-11-06. Review status: criteria provided, single submitter. Criteria: Invitae Variant Classification Sherloc (09022015). Collection method: clinical testing. Allele origin: germline.
Comment: This sequence change replaces serine, which is neutral and polar, with phenylalanine, which is neutral and non-polar, at codon 1021 of the POLG protein (p.Ser1021Phe). This variant is not present in population databases (gnomAD no frequency). This variant has not been reported in the literature in individuals affected with POLG-related conditions. ClinVar contains an entry for this variant (Variation ID: 933862). Invitae Evidence Modeling of protein sequence and biophysical properties (such as structural, functional, and spatial information, amino acid conservation, physicochemical variation, residue mobility, and thermodynamic stability) has been performed for this missense variant. However, the output from this modeling did not meet the statistical confidence thresholds required to predict the impact of this variant on POLG protein function. In summary, the available evidence is currently insufficient to determine the role of this variant in disease. Therefore, it has been classified as a Variant of Uncertain Significance.

GeneDx
Classification: Uncertain significance. Last evaluated: 2025-02-20. Review status: criteria provided, single submitter. Criteria: GeneDx Variant Classification Process June 2021. Collection method: clinical testing. Allele origin: germline. Affected: yes.
Comment: Not observed at significant frequency in large population cohorts (gnomAD); In silico analysis indicates that this missense variant does not alter protein structure/function; Has not been previously published as pathogenic or benign to our knowledge